The following is an entry in ClinVar:

ClinVar aggregate classification (germline): Uncertain significance (1 of 4 stars; one submission).

Submission:

Labcorp Genetics (formerly Invitae), Labcorp
Classification: Uncertain significance. Last evaluated: 2025-09-01. Review status: criteria provided, single submitter. Criteria: Invitae Variant Classification Sherloc (09022015). Collection method: clinical testing. Allele origin: germline.
Comment: This sequence change replaces arginine, which is basic and polar, with histidine, which is basic and polar, at codon 326 of the TRAP1 protein (p.Arg326His). This variant is present in population databases (rs200037203, gnomAD 0.02%). This variant has not been reported in the literature in individuals affected with TRAP1-related conditions. Invitae Evidence Modeling of protein sequence and biophysical properties (such as structural, functional, and spatial information, amino acid conservation, physicochemical variation, residue mobility, and thermodynamic stability) has been performed for this missense variant. However, the output from this modeling did not meet the statistical confidence thresholds required to predict the impact of this variant on TRAP1 protein function. In summary, the available evidence is currently insufficient to determine the role of this variant in disease. Therefore, it has been classified as a Variant of Uncertain Significance.

NM_016292.3(TRAP1):c.977G>A (p.Arg326His)

Gene: TRAP1 (TNF receptor associated protein 1; minus strand). Cytogenetic location: 16p13.3.
Variant type: single nucleotide variant.
Coding change: c.977G>A on transcript NM_016292.3 (MANE Select); coding-DNA position 977, G replaced by A.
Protein change: p.Arg326His; replaces arginine 326 with histidine.
Molecular consequence: missense variant.
Genome position (GRCh38, 1-based): chr16:3,674,406, C>T on the plus strand (G>A on the coding strand, the complement: TRAP1 is on the minus strand). VCF-style: chr16-3674406-C-T. GRCh37 (hg19) VCF-style: chr16-3724407-C-T.
Other names: c.818G>A, p.Arg273His (NM_001272049.2); short protein forms R326H, R273H.
Identifiers: ClinVar variation 4740713 (VCV004740713.1).